The following is an entry in ClinVar:

NM_015158.5(KANK1):c.2200C>G (p.Arg734Gly)

Gene: KANK1 (KN motif and ankyrin repeat domains 1; plus strand). Cytogenetic location: 9p24.3.
Variant type: single nucleotide variant.
Coding change: c.2200C>G on transcript NM_015158.5 (MANE Select); coding-DNA position 2200, C replaced by G.
Protein change: p.Arg734Gly; replaces arginine 734 with glycine.
Molecular consequence: missense variant. On other transcripts: non-coding transcript variant (1).
Genome position (GRCh38, 1-based): chr9:712,966, C>G. VCF-style: chr9-712966-C-G. GRCh37 (hg19) VCF-style: chr9-712966-C-G.
Other names: c.2200C>G, p.Arg734Gly (NM_001256876.3, NM_001256877.3, NM_001354331.2 and 2 more transcripts); c.1726C>G, p.Arg576Gly (NM_001354333.2, NM_001354335.2, NM_001354336.2 and 9 more transcripts); short protein forms R576G, R734G.
Identifiers: ClinVar variation 2993499 (VCV002993499.3), dbSNP rs375662630, ClinGen allele CA4960452.
Genomic context (GRCh38, chr9:712,966, plus strand): 5'-ACGCGGACAGTAGCTGTAGGAGAAGGCCGTGTCAAGGACATCAACTCCTCCACCAAGACG[C>G]GGTCCATTGGTGTTGGAACGTTGCTTTCTGGCCATTCTGGGTTTGACAGGCCATCAGCTG-3'
Protein context (NP_055973.2, residues 724-744): VKDINSSTKT[Arg734Gly]SIGVGTLLSG

ClinVar aggregate classification (germline): Uncertain significance (1 of 4 stars; one submission).

Allele frequency attached by ClinVar (database versions not stated): ExAC 0.00001; ESP Exome Variant Server 0.00008.

Submission:

Labcorp Genetics (formerly Invitae), Labcorp
Classification: Uncertain significance. Last evaluated: 2025-06-12. Review status: criteria provided, single submitter. Criteria: Invitae Variant Classification Sherloc (09022015). Collection method: clinical testing. Allele origin: germline.
Comment: This sequence change replaces arginine, which is basic and polar, with glycine, which is neutral and non-polar, at codon 734 of the KANK1 protein (p.Arg734Gly). This variant is present in population databases (rs375662630, gnomAD 0.007%). This variant has not been reported in the literature in individuals affected with KANK1-related conditions. ClinVar contains an entry for this variant (Variation ID: 2993499). Invitae Evidence Modeling of protein sequence and biophysical properties (such as structural, functional, and spatial information, amino acid conservation, physicochemical variation, residue mobility, and thermodynamic stability) indicates that this missense variant is expected to disrupt KANK1 protein function with a positive predictive value of 80%. In summary, the available evidence is currently insufficient to determine the role of this variant in disease. Therefore, it has been classified as a Variant of Uncertain Significance.